The following is an entry in ClinVar:

ClinVar aggregate classification (germline): Uncertain significance (1 of 4 stars; one submission).

Submission:

Labcorp Genetics (formerly Invitae), Labcorp
Classification: Uncertain significance. Last evaluated: 2022-06-04. Review status: criteria provided, single submitter. Criteria: Invitae Variant Classification Sherloc (09022015). Collection method: clinical testing. Allele origin: germline.
Comment: Advanced modeling of protein sequence and biophysical properties (such as structural, functional, and spatial information, amino acid conservation, physicochemical variation, residue mobility, and thermodynamic stability) performed at Invitae indicates that this missense variant is expected to disrupt LRP2 protein function. In summary, the available evidence is currently insufficient to determine the role of this variant in disease. Therefore, it has been classified as a Variant of Uncertain Significance. This variant has not been reported in the literature in individuals affected with LRP2-related conditions. This variant is not present in population databases (gnomAD no frequency). This sequence change replaces aspartic acid, which is acidic and polar, with glycine, which is neutral and non-polar, at codon 2208 of the LRP2 protein (p.Asp2208Gly).

NM_004525.3(LRP2):c.6623A>G (p.Asp2208Gly)

Gene: LRP2 (LDL receptor related protein 2; minus strand). Cytogenetic location: 2q31.1.
Variant type: single nucleotide variant.
Coding change: c.6623A>G on transcript NM_004525.3 (MANE Select); coding-DNA position 6623, A replaced by G.
Protein change: p.Asp2208Gly; replaces aspartic acid 2208 with glycine.
Molecular consequence: missense variant.
Genome position (GRCh38, 1-based): chr2:169,207,097, T>C on the plus strand (A>G on the coding strand, the complement: LRP2 is on the minus strand). VCF-style: chr2-169207097-T-C. GRCh37 (hg19) VCF-style: chr2-170063607-T-C.
Other names: short protein forms D2208G.
Identifiers: ClinVar variation 2038226 (VCV002038226.4), dbSNP rs2545810785, ClinGen allele CA349173232.
Genomic context (GRCh38, chr2:169,207,097, plus strand): 5'-AGCACTGTTCGATTGGTACAGTCAAGGAAAGAACGCTCAATCTTTGGTCTCTGCCCATAG[T>C]CAGCCCAGAAGAGGTATCTGTTCTTGGGATCTACAACAATATGCCTAGGCATGTCCACTG-3'
Protein context (NP_004516.2, residues 2198-2218): DPKNRYLFWA[Asp2208Gly]YGQRPKIERS